The following is an entry in ClinVar:

NM_000261.2(MYOC):c.164G>C (p.Ser55Thr)

Gene: MYOC (myocilin; minus strand). Cytogenetic location: 1q24.3.
Variant type: single nucleotide variant.
Coding change: c.164G>C on transcript NM_000261.2 (MANE Select); coding-DNA position 164, G replaced by C.
Protein change: p.Ser55Thr; replaces serine 55 with threonine.
Molecular consequence: missense variant.
Genome position (GRCh38, 1-based): chr1:171,652,448, C>G on the plus strand (G>C on the coding strand, the complement: MYOC is on the minus strand). VCF-style: chr1-171652448-C-G. GRCh37 (hg19) VCF-style: chr1-171621588-C-G.
Other names: NM_000261.2:c.164G>C; short protein forms S55T.
Identifiers: ClinVar variation 1723160 (VCV001723160.2), dbSNP rs2527874093, ClinGen allele CA343719476.

ClinVar aggregate classification (germline): Uncertain significance (3 of 4 stars; one submission).

Conditions:
Open-angle glaucoma. Identifiers: MedGen C0017612, MONDO:0005338, HP:0012108.

Submission:

ClinGen Glaucoma Variant Curation Expert Panel
Classification: Uncertain significance for Open-angle glaucoma. Last evaluated: 2025-11-12. Review status: reviewed by expert panel. Criteria: ClinGen Glaucoma ACMG Specifications V2.0.0 Approved. Collection method: curation. Allele origin: germline. Inheritance: Autosomal dominant inheritance.
Comment: The c.164G>C variant in MYOC is a missense variant predicted to cause substitution of Serine by Threonine at amino acid 55 (p.Ser55Thr). This variant was not found in any genetic ancestry group of gnomAD (v4.1.0), meeting the ≤ 0.0001 threshold set for PM2_Supporting in a genetic ancestry group of at least 10,000 alleles. The REVEL score = 0.16, which was within the 0.017-0.183 range for BP4_Moderate, suggesting that the variant does not impact MYOC function. There was no functional evidence predicting a damaging or benign impact of this variant on MYOC function. Only 1 proband with primary open angle glaucoma had been reported (PMID: 14642164), not meeting the ≥ 2 probands threshold required to meet PS4_Supporting. In summary, this variant met the criteria to receive a score of -1 and to be classified as a variant of uncertain significance (uncertain significance classification range -1 to 5, adapted from PMID: 32720330) for primary open angle glaucoma based on the ACMG/AMP criteria met, as specified by the ClinGen Glaucoma VCEP (v2.0.0, 5 Dec 2024): BP4_Moderate, PM2_Supporting.